The following is an entry in ClinVar:

ClinVar aggregate classification (germline): Pathogenic (1 of 4 stars; one submission).

Submission:

Labcorp Genetics (formerly Invitae), Labcorp
Classification: Pathogenic. Last evaluated: 2022-10-13. Review status: criteria provided, single submitter. Criteria: Invitae Variant Classification Sherloc (09022015). Collection method: clinical testing. Allele origin: germline.
Comment: This sequence change creates a premature translational stop signal (p.Glu79*) in the COL2A1 gene. It is expected to result in an absent or disrupted protein product. Loss-of-function variants in COL2A1 are known to be pathogenic (PMID: 20179744). This variant is not present in population databases (gnomAD no frequency). This variant has not been reported in the literature in individuals affected with COL2A1-related conditions. Algorithms developed to predict the effect of sequence changes on RNA splicing suggest that this variant may disrupt the consensus splice site. For these reasons, this variant has been classified as Pathogenic.

Literature cited by the submitters: PubMed 20179744.

NM_001844.5(COL2A1):c.233dup (p.Pro78_Glu79insTer)

Gene: COL2A1 (collagen type II alpha 1 chain; minus strand). Cytogenetic location: 12q13.11.
Variant type: Duplication.
Coding change: c.233dup on transcript NM_001844.5 (MANE Select); coding-DNA position 233, one base duplicated (C; older notation c.233dupC).
Protein change: p.Pro78_Glu79insTer.
Molecular consequence: frameshift variant. On other transcripts: intron variant (1).
Genome position (GRCh38, 1-based): chr12:47,999,978, G duplicated on the plus strand (C on the coding strand, the reverse complement: COL2A1 is on the minus strand); the first of 3 consecutive G bases (chr12:47,999,978-47,999,980); duplicating any one gives the same sequence. VCF-style (leftmost placement, unchanged base first): chr12-47999977-A-AG. GRCh37 (hg19) VCF-style: chr12-48393760-A-AG.
Other names: c.86-1547dup (NM_033150.3).
Identifiers: ClinVar variation 2077255 (VCV002077255.4), dbSNP rs2540187489, ClinGen allele CA2580085557.